The following is an entry in ClinVar:

ClinVar aggregate classification (germline): Uncertain significance (1 of 4 stars; one submission).

Conditions:
Kleefstra syndrome 1 (KLEFS1). Identifiers: Orphanet 261494, MedGen C0795833, MONDO:0027407, OMIM 610253.

Submission:

Labcorp Genetics (formerly Invitae), Labcorp
Classification: Uncertain significance for Kleefstra syndrome 1. Last evaluated: 2020-09-25. Review status: criteria provided, single submitter. Criteria: Invitae Variant Classification Sherloc (09022015). Collection method: clinical testing. Allele origin: germline.
Comment: This variant is not present in population databases (ExAC no frequency). This sequence change replaces alanine with valine at codon 688 of the EHMT1 protein (p.Ala688Val). The alanine residue is weakly conserved and there is a small physicochemical difference between alanine and valine. This variant has been observed in individual(s) with clinical features of Kleefstra syndrome (Invitae). Algorithms developed to predict the effect of missense changes on protein structure and function (SIFT, PolyPhen-2, Align-GVGD) all suggest that this variant is likely to be tolerated, but these predictions have not been confirmed by published functional studies and their clinical significance is uncertain. In summary, the available evidence is currently insufficient to determine the role of this variant in disease. Therefore, it has been classified as a Variant of Uncertain Significance.

NM_024757.5(EHMT1):c.2063C>T (p.Ala688Val)

Gene: EHMT1 (euchromatic histone lysine methyltransferase 1; plus strand). Cytogenetic location: 9q34.3.
Variant type: single nucleotide variant.
Coding change: c.2063C>T on transcript NM_024757.5 (MANE Select); coding-DNA position 2063, C replaced by T.
Protein change: p.Ala688Val; replaces alanine 688 with valine.
Molecular consequence: missense variant.
Genome position (GRCh38, 1-based): chr9:137,777,926, C>T. VCF-style: chr9-137777926-C-T. GRCh37 (hg19) VCF-style: chr9-140672378-C-T.
Other names: c.2063C>T, p.Ala688Val (NM_001145527.2); c.1970C>T, p.Ala657Val (NM_001354259.2); c.2042C>T, p.Ala681Val (NM_001354263.2); short protein forms A657V, A681V, A688V.
Identifiers: ClinVar variation 1024966 (VCV001024966.9), dbSNP rs1951084614, ClinGen allele CA375778423.
Genomic context (GRCh38, chr9:137,777,926, plus strand): 5'-ATTTCCTCCCCTGAAGTGCTGCCGGGCCACCACTCTCGGAGGACGACAAGCTGCAGGGTG[C>T]AGCCTCCCACGTGCCCGAGGGCTTTGATCCAACGGGACCTGCTGGGCTTGGGAGGCCAAC-3'
Protein context (NP_079033.4, residues 678-698): PLSEDDKLQG[Ala688Val]ASHVPEGFDP